The following is an entry in ClinVar:

ClinVar aggregate classification (germline): Uncertain significance (1 of 4 stars; one submission).

Submission:

Labcorp Genetics (formerly Invitae), Labcorp
Classification: Uncertain significance. Last evaluated: 2024-12-09. Review status: criteria provided, single submitter. Criteria: Invitae Variant Classification Sherloc (09022015). Collection method: clinical testing. Allele origin: germline.
Comment: This sequence change falls in intron 27 of the POLE gene. It does not directly change the encoded amino acid sequence of the POLE protein. RNA analysis indicates that this variant induces altered splicing and may result in an absent or altered protein product. This variant is not present in population databases (gnomAD no frequency). This variant has not been reported in the literature in individuals affected with POLE-related conditions. Variants that disrupt the consensus splice site are a relatively common cause of aberrant splicing (PMID: 17576681, 9536098). Studies have shown that this variant results in activation of a cryptic splice site, and produces a non-functional protein and/or introduces a premature termination codon (internal data). In summary, the available evidence is currently insufficient to determine the role of this variant in disease. Therefore, it has been classified as a Variant of Uncertain Significance.

Literature cited by the submitters: PubMed 17576681; PubMed 9536098.

NM_006231.4(POLE):c.3378+3G>C

Gene: POLE (DNA polymerase epsilon, catalytic subunit; minus strand). Cytogenetic location: 12q24.33.
Variant type: single nucleotide variant.
Coding change: c.3378+3G>C on transcript NM_006231.4 (MANE Select); 3 bases into the intron after coding-DNA position 3378, G replaced by C.
Molecular consequence: intron variant.
Genome position (GRCh38, 1-based): chr12:132,657,865, C>G on the plus strand (G>C on the coding strand, the complement: POLE is on the minus strand). VCF-style: chr12-132657865-C-G. GRCh37 (hg19) VCF-style: chr12-133234451-C-G.
Identifiers: ClinVar variation 3657923 (VCV003657923.2).